The following is an entry in ClinVar:

ClinVar aggregate classification (germline): Pathogenic (0 of 4 stars; one submission).

Conditions:
Pontocerebellar hypoplasia type 6 (PCH6). Identifiers: Orphanet 166073, MedGen C1969084, MONDO:0012683, OMIM 611523.

gnomAD v4.1: 3 of 1,606,558 alleles (0.00019%); highest among the groups gnomAD compares: South Asian, 0.0022%; no homozygotes.

Submission:

Hong-Tao Li Lab, Institute of Brain Science and Brain-inspired Research, Shandong First Medical University & Shandong Academy of Medical Sciences China
Classification: Pathogenic for Pontocerebellar hypoplasia type 6. Review status: no assertion criteria provided. Collection method: research. Allele origin: germline. Inheritance: Autosomal recessive inheritance. Affected: yes. Observed: 1 variant allele, 1 homozygote.
Comment: Observed in affected individuals from a Pakistani neurodevelopmental-disorder research cohort of 263 individuals. Classification assigned using the ACMG/AMP framework.

NM_020320.5(RARS2):c.1025T>C (p.Met342Thr)

Gene: RARS2 (arginyl-tRNA synthetase 2, mitochondrial; minus strand). Cytogenetic location: 6q15.
Variant type: single nucleotide variant.
Coding change: c.1025T>C on transcript NM_020320.5 (MANE Select); coding-DNA position 1025, T replaced by C.
Protein change: p.Met342Thr; replaces methionine 342 with threonine.
Molecular consequence: missense variant. On other transcripts: non-coding transcript variant (23).
Genome position (GRCh38, 1-based): chr6:87,521,474, A>G on the plus strand (T>C on the coding strand, the complement: RARS2 is on the minus strand). VCF-style: chr6-87521474-A-G. GRCh37 (hg19) VCF-style: chr6-88231192-A-G.
Other names: c.500T>C, p.Met167Thr (NM_001318785.2, NM_001350506.2, NM_001350507.2 and 4 more transcripts); c.1025T>C, p.Met342Thr (NM_001350505.2); short protein forms M167T, M342T.
Identifiers: ClinVar variation 4884786 (VCV004884786.1).